The following is an entry in ClinVar:

ClinVar aggregate classification (germline): Uncertain significance. Review status: criteria provided, multiple submitters, no conflicts (2 of 4 stars). 2 submissions from 2 submitters: Uncertain significance (2). Last evaluated 2025-08-08.

Conditions:
Aortic aneurysm, familial thoracic 7 (AAT7). Also called: AORTIC DISSECTION, FAMILIAL, WITH OR WITHOUT AORTIC ANEURYSM. Identifiers: MedGen C3151077, MONDO:0013418, OMIM 613780.
Familial thoracic aortic aneurysm and aortic dissection (TAAD). Also called: Thoracic aortic aneurysms and dissections. Identifiers: Orphanet 91387, MedGen C4707243, MONDO:0019625.

gnomAD v4.1: 23 of 1,614,204 alleles (0.0014%); highest among the groups gnomAD compares: Non-Finnish European, 0.0019%; no homozygotes.

Submissions (2):

Labcorp Genetics (formerly Invitae), Labcorp
Classification: Uncertain significance for Aortic aneurysm, familial thoracic 7. Last evaluated: 2025-08-08. Review status: criteria provided, single submitter. Criteria: Invitae Variant Classification Sherloc (09022015). Collection method: clinical testing. Allele origin: germline.
Comment: This sequence change replaces proline, which is neutral and non-polar, with glutamine, which is neutral and polar, at codon 356 of the MYLK protein (p.Pro356Gln). This variant is present in population databases (no rsID available, gnomAD 0.002%). This variant has not been reported in the literature in individuals affected with MYLK-related conditions. ClinVar contains an entry for this variant (Variation ID: 3297615). Invitae Evidence Modeling of protein sequence and biophysical properties (such as structural, functional, and spatial information, amino acid conservation, physicochemical variation, residue mobility, and thermodynamic stability) indicates that this missense variant is not expected to disrupt MYLK protein function with a negative predictive value of 95%. In summary, the available evidence is currently insufficient to determine the role of this variant in disease. Therefore, it has been classified as a Variant of Uncertain Significance.

Ambry Genetics
Classification: Uncertain significance for Familial thoracic aortic aneurysm and aortic dissection. Last evaluated: 2024-06-07. Review status: criteria provided, single submitter. Criteria: Ambry Variant Classification Scheme 2023. Collection method: clinical testing. Allele origin: germline.
Comment: The p.P356Q variant (also known as c.1067C>A), located in coding exon 7 of the MYLK gene, results from a C to A substitution at nucleotide position 1067. The proline at codon 356 is replaced by glutamine, an amino acid with similar properties. This amino acid position is conserved. In addition, this alteration is predicted to be tolerated by in silico analysis. Based on the available evidence, the clinical significance of this variant remains unclear.

NM_053025.4(MYLK):c.1067C>A (p.Pro356Gln)

Gene: MYLK (myosin light chain kinase; minus strand). Cytogenetic location: 3q21.1.
Variant type: single nucleotide variant.
Coding change: c.1067C>A on transcript NM_053025.4 (MANE Select); coding-DNA position 1067, C replaced by A.
Protein change: p.Pro356Gln; replaces proline 356 with glutamine.
Molecular consequence: missense variant.
Genome position (GRCh38, 1-based): chr3:123,733,929, G>T on the plus strand (C>A on the coding strand, the complement: MYLK is on the minus strand). VCF-style: chr3-123733929-G-T. GRCh37 (hg19) VCF-style: chr3-123452776-G-T.
Other names: c.539C>A, p.Pro180Gln (NM_001321309.2); c.1067C>A, p.Pro356Gln (NM_053026.4, NM_053027.4, NM_053028.4); short protein forms P180Q, P356Q.
Identifiers: ClinVar variation 3297615 (VCV003297615.3).